The following is an entry in ClinVar:

ClinVar aggregate classification (germline): Conflicting classifications of pathogenicity. Review status: criteria provided, conflicting classifications (1 of 4 stars). 5 submissions from 4 submitters: Uncertain significance (3); Likely benign (1). 1 of the submissions does not count toward it. Last evaluated 2025-10-02.

Conditions:
TRIM32-related disorder. Also called: TRIM32-related condition.
Bardet-Biedl syndrome 11 (BBS11). Identifiers: Orphanet 110, MedGen C1859569, MONDO:0014439, OMIM 615988.
Bardet-Biedl syndrome (BBS). Identifiers: Orphanet 110, MedGen C0752166, MONDO:0015229.
Sarcotubular myopathy (LGMDR8). Also called: Limb-girdle muscular dystrophy, type 2H; Hutterite type of muscular dystrophy; Autosomal recessive limb-girdle muscular dystrophy type 2H; MUSCULAR DYSTROPHY, LIMB-GIRDLE, AUTOSOMAL RECESSIVE 8. Identifiers: Orphanet 1878, MedGen C0270968, MONDO:0009683, OMIM 254110.

Allele frequency attached by ClinVar (database versions not stated): gnomAD 0.00001; gnomAD exomes 0.00001 and 0.00002; TOPMed 0.00001; ExAC 0.00002.
gnomAD v4.1: 11 of 1,614,072 alleles (0.00068%); highest among the groups gnomAD compares: Non-Finnish European, 0.00093%; no homozygotes.

Submissions (5):

Labcorp Genetics (formerly Invitae), Labcorp
Classification: Likely benign for Bardet-Biedl syndrome. Last evaluated: 2025-10-02. Review status: criteria provided, single submitter. Criteria: Invitae Variant Classification Sherloc (09022015). Collection method: clinical testing. Allele origin: germline.

Illumina Laboratory Services, Illumina
Classification: Uncertain significance for Bardet-Biedl syndrome 11. Last evaluated: 2018-01-13. Review status: criteria provided, single submitter. Criteria: ICSL Variant Classification Criteria 13 December 2019. Collection method: clinical testing. Allele origin: germline.

Illumina Laboratory Services, Illumina
Classification: Uncertain significance for Sarcotubular myopathy. Last evaluated: 2018-01-13. Review status: criteria provided, single submitter. Criteria: ICSL Variant Classification Criteria 13 December 2019. Collection method: clinical testing. Allele origin: germline.

Eurofins Ntd Llc (ga)
Classification: Uncertain significance. Last evaluated: 2016-11-15. Review status: criteria provided, single submitter. Criteria: EGL Classification Definitions 2015. Collection method: clinical testing. Allele origin: germline. Observed: 1 variant allele, 1 heterozygote.

PreventionGenetics, part of Exact Sciences
Classification: Likely benign for TRIM32-related condition. Last evaluated: 2023-04-27. Review status: no assertion criteria provided. Collection method: clinical testing. Allele origin: germline. Not counted in ClinVar's aggregate classification.
Comment: This variant is classified as likely benign based on ACMG/AMP sequence variant interpretation guidelines (Richards et al. 2015 PMID: 25741868, with internal and published modifications).

NM_012210.4(TRIM32):c.1386G>A (p.Val462=)

Genes: ASTN2 (astrotactin 2; minus strand), TRIM32 (tripartite motif containing 32; plus strand). Cytogenetic location: 9q33.1.
Variant type: single nucleotide variant.
Coding change: c.1386G>A on transcript NM_012210.4 (MANE Select); coding-DNA position 1386, G replaced by A.
Protein change: p.Val462=; no amino-acid change (valine 462 retained).
Molecular consequence: synonymous variant. On other transcripts: intron variant (3).
Genome position (GRCh38, 1-based): chr9:116,699,128, G>A. VCF-style: chr9-116699128-G-A. GRCh37 (hg19) VCF-style: chr9-119461407-G-A.
Other names: c.1386G>A, p.Val462= (NM_001099679.2, NM_001379048.1, NM_001379049.1 and 1 more transcripts); c.2653+26643C>T (NM_014010.5); c.2794+26643C>T (NM_001365069.1); c.2806+26643C>T (NM_001365068.1).
Identifiers: ClinVar variation 364718 (VCV000364718.22), dbSNP rs762905941, ClinGen allele CA5211139.